The following is an entry in ClinVar:

NM_000179.3(MSH6):c.498C>T (p.Tyr166=)

Gene: MSH6 (mutS homolog 6; plus strand). Cytogenetic location: 2p16.3.
Variant type: single nucleotide variant.
Coding change: c.498C>T on transcript NM_000179.3 (MANE Select); coding-DNA position 498, C replaced by T.
Protein change: p.Tyr166=; no amino-acid change (tyrosine 166 retained).
Molecular consequence: synonymous variant. On other transcripts: 5 prime UTR variant (1), intron variant (2).
Genome position (GRCh38, 1-based): chr2:47,795,934, C>T. VCF-style: chr2-47795934-C-T. GRCh37 (hg19) VCF-style: chr2-48023073-C-T.
Other names: c.-405C>T (NM_001281494.2); c.-279-2677C>T (NM_001281493.2); c.238-2677C>T (NM_001281492.2).
Identifiers: ClinVar variation 89536 (VCV000089536.22), dbSNP rs587779313, ClinGen allele CA015736.
Genomic context (GRCh38, chr2:47,795,934, plus strand): 5'-ATAAATACATTTCTTTCTAGGTTCAAAATCAAAGGAAGCCCAGAAGGGAGGTCATTTTTA[C>T]AGTGCAAAGCCTGAAATACTGAGAGCAATGCAACGTGCAGATGAAGCCTTAAATAAAGAC-3'
Protein context (NP_000170.1, residues 156-176): SKEAQKGGHF[Tyr166=]SAKPEILRAM

ClinVar aggregate classification (germline): Benign/Likely benign. Review status: criteria provided, multiple submitters, no conflicts (2 of 4 stars). 6 submissions from 6 submitters: Benign (1); Likely benign (4). 1 of the submissions does not count toward it. Last evaluated 2025-11-09.

Conditions:
MSH6-related disorder. Also called: MSH6-related condition; MSH6-Related disorders.
Hereditary cancer-predisposing syndrome. Also called: Tumor predisposition; Hereditary Cancer Syndrome; Hereditary neoplastic syndrome; Neoplastic Syndromes, Hereditary. Identifiers: Orphanet 140162, MedGen C0027672, MeSH D009386, MONDO:0015356.
Lynch syndrome. Identifiers: Orphanet 144, MedGen C4552100, MONDO:0005835. Disease mechanism: loss of function.
Lynch syndrome 5 (LYNCH5). Also called: Colorectal cancer, hereditary nonpolyposis, type 5; Hereditary non-polyposis colorectal cancer, type 5. Identifiers: Orphanet 144, MedGen C1833477, MONDO:0013710, OMIM 614350. Disease mechanism: loss of function.
Hereditary nonpolyposis colorectal neoplasms. Identifiers: MedGen C0009405, MeSH D003123.

Allele frequency attached by ClinVar (database versions not stated): gnomAD exomes below 0.00001; gnomAD 0.00001; TOPMed 0.00003.
gnomAD v4.1: 7 of 1,613,794 alleles (0.00043%); highest among the groups gnomAD compares: African/African-American, 0.0013%; no homozygotes.

Submissions (6):

Labcorp Genetics (formerly Invitae), Labcorp
Classification: Likely benign for Hereditary nonpolyposis colorectal neoplasms. Last evaluated: 2025-11-09. Review status: criteria provided, single submitter. Criteria: Invitae Variant Classification Sherloc (09022015). Collection method: clinical testing. Allele origin: germline.

Myriad Genetics, Inc.
Classification: Benign for Lynch syndrome 5. Last evaluated: 2024-12-18. Review status: criteria provided, single submitter. Criteria: Myriad Autosomal Dominant, Autosomal Recessive and X-Linked Classification Criteria (2023). Collection method: clinical testing. Allele origin: unknown.
Comment: This variant is considered benign. This variant is a silent/synonymous amino acid change and it is not expected to impact splicing.

All of Us Research Program, National Institutes of Health
Classification: Likely benign for Lynch syndrome. Last evaluated: 2023-06-26. Review status: criteria provided, single submitter. Criteria: ACMG Guidelines, 2015. Collection method: clinical testing. Allele origin: germline. Inheritance: Autosomal dominant inheritance. Observed: 1 variant allele, 1 heterozygote.
Comment: This study involves interpretation of variants in research participants for the purpose of population health screening. Participant phenotype was not available at the time of variant classification. Additional details can be found in publication PMID: 35346344, PMCID: PMC8962531

GeneDx
Classification: Likely benign. Last evaluated: 2018-04-23. Review status: criteria provided, single submitter. Criteria: GeneDx Variant Classification Process June 2021. Collection method: clinical testing. Allele origin: germline. Affected: yes.

Ambry Genetics
Classification: Likely benign for Hereditary cancer-predisposing syndrome. Last evaluated: 2017-11-27. Review status: criteria provided, single submitter. Criteria: Ambry Variant Classification Scheme 2023. Collection method: clinical testing. Allele origin: germline.

PreventionGenetics, part of Exact Sciences
Classification: Likely benign for MSH6-related condition. Last evaluated: 2022-01-18. Review status: no assertion criteria provided. Collection method: clinical testing. Allele origin: germline. Not counted in ClinVar's aggregate classification.
Comment: This variant is classified as likely benign based on ACMG/AMP sequence variant interpretation guidelines (Richards et al. 2015 PMID: 25741868, with internal and published modifications).